The following is an entry in ClinVar:

NM_001128840.3(CACNA1D):c.4464A>G (p.Ile1488Met)

Gene: CACNA1D (calcium voltage-gated channel subunit alpha1 D; plus strand). Cytogenetic location: 3p21.1.
Variant type: single nucleotide variant.
Coding change: c.4464A>G on transcript NM_001128840.3 (MANE Select); coding-DNA position 4464, A replaced by G.
Protein change: p.Ile1488Met; replaces isoleucine 1488 with methionine.
Molecular consequence: missense variant.
Genome position (GRCh38, 1-based): chr3:53,776,704, A>G. VCF-style: chr3-53776704-A-G. GRCh37 (hg19) VCF-style: chr3-53810731-A-G.
Other names: c.4524A>G, p.Ile1508Met (NM_000720.4); c.4419A>G, p.Ile1473Met (NM_001128839.3); c.4524A>G (NM_000720.2, NM_000720.3); short protein forms I1473M, I1488M, I1508M.
Identifiers: ClinVar variation 2503940 (VCV002503940.2), dbSNP rs2474254329, ClinGen allele CA353243134.

ClinVar aggregate classification (germline): Uncertain significance. Review status: criteria provided, multiple submitters, no conflicts (2 of 4 stars). 2 submissions from 2 submitters: Uncertain significance (2). Last evaluated 2026-07-20.

Conditions:
Inborn genetic diseases. Identifiers: MedGen C0950123, MeSH D030342.

Submissions (2):

Ambry Genetics
Classification: Uncertain significance for Inborn genetic diseases. Last evaluated: 2026-07-20. Review status: criteria provided, single submitter. Criteria: Ambry Variant Classification Scheme 2023. Collection method: clinical testing. Allele origin: germline.

Women's Health and Genetics/Laboratory Corporation of America, LabCorp
Classification: Uncertain significance. Last evaluated: 2023-04-27. Review status: criteria provided, single submitter. Criteria: LabCorp Variant Classification Summary - May 2015. Collection method: clinical testing. Allele origin: germline.
Comment: Variant summary: CACNA1D c.4524A>G (p.Ile1508Met) results in a conservative amino acid change located in the voltage-dependent L-type calcium channel, IQ-associated domain (IPR031649) of the encoded protein sequence. Four of five in-silico tools predict a damaging effect of the variant on protein function. The variant was absent in 251352 control chromosomes (gnomAD). The available data on variant occurrences in the general population are insufficient to allow any conclusion about variant significance. To our knowledge, no occurrence of c.4524A>G in individuals affected with Sinoatrial Node Dysfunction And Deafness or other CACNA1D-related disorders and no experimental evidence demonstrating its impact on protein function have been reported. No clinical diagnostic laboratories have submitted clinical-significance assessments for this variant to ClinVar after 2014. Based on the evidence outlined above, the variant was classified as uncertain significance.